The following is an entry in ClinVar:

ClinVar aggregate classification (germline): Uncertain significance (1 of 4 stars; one submission).

Conditions:
Myofibrillar myopathy 5. Also called: Filaminopathy (type); FILAMINOPATHY, AUTOSOMAL DOMINANT. Identifiers: Orphanet 171445, MedGen C1836050, MONDO:0012289, OMIM 609524.
Distal myopathy with posterior leg and anterior hand involvement. Also called: WILLIAMS DISTAL MYOPATHY. Identifiers: Orphanet 63273, MedGen C3279722, MONDO:0013550, OMIM 614065.
Hypertrophic cardiomyopathy 26. Also called: Cardiomyopathy, familial hypertrophic, 26. Identifiers: Orphanet 75249, MedGen C4310749, MONDO:0014883, OMIM 617047.

Submission:

Labcorp Genetics (formerly Invitae), Labcorp
Classification: Uncertain significance for Distal myopathy with posterior leg and anterior hand involvement; Myofibrillar myopathy 5; Hypertrophic cardiomyopathy 26. Last evaluated: 2022-10-26. Review status: criteria provided, single submitter. Criteria: Invitae Variant Classification Sherloc (09022015). Collection method: clinical testing. Allele origin: germline.
Comment: In summary, the available evidence is currently insufficient to determine the role of this variant in disease. Therefore, it has been classified as a Variant of Uncertain Significance. Advanced modeling of protein sequence and biophysical properties (such as structural, functional, and spatial information, amino acid conservation, physicochemical variation, residue mobility, and thermodynamic stability) has been performed at Invitae for this missense variant, however the output from this modeling did not meet the statistical confidence thresholds required to predict the impact of this variant on FLNC protein function. This variant has not been reported in the literature in individuals affected with FLNC-related conditions. This variant is not present in population databases (gnomAD no frequency). This sequence change replaces lysine, which is basic and polar, with methionine, which is neutral and non-polar, at codon 621 of the FLNC protein (p.Lys621Met).

NM_001458.5(FLNC):c.1862A>T (p.Lys621Met)

Gene: FLNC (filamin C; plus strand). Cytogenetic location: 7q32.1.
Variant type: single nucleotide variant.
Coding change: c.1862A>T on transcript NM_001458.5 (MANE Select); coding-DNA position 1862, A replaced by T.
Protein change: p.Lys621Met; replaces lysine 621 with methionine.
Molecular consequence: missense variant.
Genome position (GRCh38, 1-based): chr7:128,841,218, A>T. VCF-style: chr7-128841218-A-T. GRCh37 (hg19) VCF-style: chr7-128481272-A-T.
Other names: c.1862A>T, p.Lys621Met (NM_001127487.2); short protein forms K621M.
Identifiers: ClinVar variation 1717319 (VCV001717319.6), dbSNP rs2536628264, ClinGen allele CA369227238.